The following is an entry in ClinVar:

ClinVar aggregate classification (germline): Likely benign (0 of 4 stars; one submission).

Conditions:
ARFGEF3-related disorder. Also called: ARFGEF3-related condition.

Allele frequency attached by ClinVar (database versions not stated): gnomAD exomes 0.00004; ExAC 0.00011; gnomAD 0.00019; ESP Exome Variant Server 0.00023; TOPMed 0.00026; 1000 Genomes Project 30x 0.00047; 1000 Genomes Project 0.00060.
gnomAD v4.1: 80 of 1,613,972 alleles (0.005%); highest among the groups gnomAD compares: African/African-American, 0.056%; no homozygotes.

Submission:

PreventionGenetics, part of Exact Sciences
Classification: Likely benign for ARFGEF3-related condition. Last evaluated: 2019-12-26. Review status: no assertion criteria provided. Collection method: clinical testing. Allele origin: germline.
Comment: This variant is classified as likely benign based on ACMG/AMP sequence variant interpretation guidelines (Richards et al. 2015 PMID: 25741868, with internal and published modifications).

NM_020340.5(ARFGEF3):c.1896G>A (p.Ser632=)

Gene: ARFGEF3 (ARFGEF family member 3; plus strand). Cytogenetic location: 6q23.3.
Variant type: single nucleotide variant.
Coding change: c.1896G>A on transcript NM_020340.5 (MANE Select); coding-DNA position 1896, G replaced by A.
Protein change: p.Ser632=; no amino-acid change (serine 632 retained).
Molecular consequence: synonymous variant.
Genome position (GRCh38, 1-based): chr6:138,263,379, G>A. VCF-style: chr6-138263379-G-A. GRCh37 (hg19) VCF-style: chr6-138584516-G-A.
Identifiers: ClinVar variation 3041933 (VCV003041933.2), dbSNP rs151159641, ClinGen allele CA4020663.